The following is an entry in ClinVar:

ClinVar aggregate classification (germline): Benign (1 of 4 stars; one submission).

Allele frequency attached by ClinVar (database versions not stated): 1000 Genomes Project 0.10004; TOPMed 0.10082; 1000 Genomes Project 30x 0.10712; gnomAD 0.08825 and 0.09477.
gnomAD v4.1: 13,289 of 152,166 alleles (8.7%); highest among the groups gnomAD compares: African/African-American, 30%; 1,902 homozygotes.

Submission:

GeneDx
Classification: Benign. Last evaluated: 2018-06-16. Review status: criteria provided, single submitter. Criteria: GeneDx Variant Classification (06012015). Collection method: clinical testing. Allele origin: germline. Affected: yes.
Comment: This variant is considered likely benign or benign based on one or more of the following criteria: it is a conservative change, it occurs at a poorly conserved position in the protein, it is predicted to be benign by multiple in silico algorithms, and/or has population frequency not consistent with disease.

NM_203447.4(DOCK8):c.2874+253C>T

Gene: DOCK8 (dedicator of cytokinesis 8; plus strand). Cytogenetic location: 9p24.3.
Variant type: single nucleotide variant.
Coding change: c.2874+253C>T on transcript NM_203447.4 (MANE Select); 253 bases into the intron after coding-DNA position 2874, C replaced by T.
Molecular consequence: intron variant.
Genome position (GRCh38, 1-based): chr9:386,679, C>T. VCF-style: chr9-386679-C-T. GRCh37 (hg19) VCF-style: chr9-386679-C-T.
Other names: c.2670+253C>T (NM_001193536.2); c.2575-3792C>T (NM_001190458.2).
Identifiers: ClinVar variation 673666 (VCV000673666.1), dbSNP rs7862373, ClinGen allele CA187824001.